The following is an entry in ClinVar:

ClinVar aggregate classification (germline): Uncertain significance (1 of 4 stars; one submission).

Conditions:
Singleton-Merten syndrome 1 (SGMRT1). Also called: Syndrome of widened medullary cavities of the metacarpals and phalanges, aortic calcification and abnormal dentition; Widened medullary cavities of bone, aortic calcification, abnormal dentition, and muscular weakness. Identifiers: Orphanet 85191, MedGen C4225427, MONDO:0024535, OMIM 182250.
Aicardi-Goutieres syndrome 7 (AGS7). Identifiers: Orphanet 51, MedGen C3888244, MONDO:0014367, OMIM 615846.

gnomAD v4.1: 3 of 1,597,690 alleles (0.00019%); highest among the groups gnomAD compares: South Asian, 0.0023%; no homozygotes.

Submission:

Labcorp Genetics (formerly Invitae), Labcorp
Classification: Uncertain significance for Aicardi-Goutieres syndrome 7; Singleton-Merten syndrome 1. Last evaluated: 2026-01-13. Review status: criteria provided, single submitter. Criteria: Invitae Variant Classification Sherloc (09022015). Collection method: clinical testing. Allele origin: germline.
Comment: This sequence change replaces asparagine, which is neutral and polar, with aspartic acid, which is acidic and polar, at codon 812 of the IFIH1 protein (p.Asn812Asp). This variant is present in population databases (rs773647447, gnomAD 0.007%). This variant has not been reported in the literature in individuals affected with IFIH1-related conditions. ClinVar contains an entry for this variant (Variation ID: 3753024). Invitae Evidence Modeling of protein sequence and biophysical properties (such as structural, functional, and spatial information, amino acid conservation, physicochemical variation, residue mobility, and thermodynamic stability) has been performed for this missense variant. However, the output from this modeling did not meet the statistical confidence thresholds required to predict the impact of this variant on IFIH1 protein function. In summary, the available evidence is currently insufficient to determine the role of this variant in disease. Therefore, it has been classified as a Variant of Uncertain Significance.

NM_022168.4(IFIH1):c.2434A>G (p.Asn812Asp)

Gene: IFIH1 (interferon induced with helicase C domain 1; minus strand). Cytogenetic location: 2q24.2.
Variant type: single nucleotide variant.
Coding change: c.2434A>G on transcript NM_022168.4 (MANE Select); coding-DNA position 2434, A replaced by G.
Protein change: p.Asn812Asp; replaces asparagine 812 with aspartic acid.
Molecular consequence: missense variant.
Genome position (GRCh38, 1-based): chr2:162,273,815, T>C on the plus strand (A>G on the coding strand, the complement: IFIH1 is on the minus strand). VCF-style: chr2-162273815-T-C. GRCh37 (hg19) VCF-style: chr2-163130325-T-C.
Other names: short protein forms N812D.
Identifiers: ClinVar variation 3753024 (VCV003753024.2).